The following is an entry in ClinVar:

NM_000493.4(COL10A1):c.973C>A (p.Gln325Lys)

Genes: COL10A1 (collagen type X alpha 1 chain; minus strand), NT5DC1 (5'-nucleotidase domain containing 1; plus strand). Cytogenetic location: 6q22.1.
Variant type: single nucleotide variant.
Coding change: c.973C>A on transcript NM_000493.4 (MANE Select); coding-DNA position 973, C replaced by A.
Protein change: p.Gln325Lys; replaces glutamine 325 with lysine.
Molecular consequence: missense variant. On other transcripts: intron variant (1).
Genome position (GRCh38, 1-based): chr6:116,121,143, G>T on the plus strand (C>A on the coding strand, the complement: COL10A1 is on the minus strand). VCF-style: chr6-116121143-G-T. GRCh37 (hg19) VCF-style: chr6-116442306-G-T.
Other names: c.973C>A, p.Gln325Lys (NM_001424106.1, NM_001424107.1); c.529+3198G>T (NM_152729.3); short protein forms Q325K.
Identifiers: ClinVar variation 2132088 (VCV002132088.4), dbSNP rs2534088956, ClinGen allele CA365391176.

ClinVar aggregate classification (germline): Uncertain significance (1 of 4 stars; one submission).

Allele frequency attached by ClinVar (database versions not stated): gnomAD exomes below 0.00001.
gnomAD v4.1: 1 of 1,613,410 alleles (0.000062%); highest among the groups gnomAD compares: Non-Finnish European, 0.000085%; no homozygotes.

Submission:

Labcorp Genetics (formerly Invitae), Labcorp
Classification: Uncertain significance. Last evaluated: 2022-04-30. Review status: criteria provided, single submitter. Criteria: Invitae Variant Classification Sherloc (09022015). Collection method: clinical testing. Allele origin: germline.
Comment: This sequence change replaces glutamine, which is neutral and polar, with lysine, which is basic and polar, at codon 325 of the COL10A1 protein (p.Gln325Lys). This variant is not present in population databases (gnomAD no frequency). This variant has not been reported in the literature in individuals affected with COL10A1-related conditions. Algorithms developed to predict the effect of missense changes on protein structure and function are either unavailable or do not agree on the potential impact of this missense change (SIFT: "Tolerated"; PolyPhen-2: "Not Available"; Align-GVGD: "Class C0"). In summary, the available evidence is currently insufficient to determine the role of this variant in disease. Therefore, it has been classified as a Variant of Uncertain Significance.